The following is an entry in ClinVar:

NM_001369268.1(ACAN):c.1732+5A>G

Gene: ACAN (aggrecan; plus strand). Cytogenetic location: 15q26.1.
Variant type: single nucleotide variant.
Coding change: c.1732+5A>G on transcript NM_001369268.1 (MANE Select); 5 bases into the intron after coding-DNA position 1732, A replaced by G.
Molecular consequence: intron variant.
Genome position (GRCh38, 1-based): chr15:88,848,043, A>G. VCF-style: chr15-88848043-A-G. GRCh37 (hg19) VCF-style: chr15-89391274-A-G.
Other names: c.1732+5A>G (NM_013227.4, NM_001411097.1, NM_001411096.1 and 1 more transcripts).
Identifiers: ClinVar variation 4769464 (VCV004769464.1).

ClinVar aggregate classification (germline): Uncertain significance (1 of 4 stars; one submission).

gnomAD v4.1: 2 of 1,612,994 alleles (0.00012%); highest among the groups gnomAD compares: South Asian, 0.0011%; no homozygotes.

Submission:

Labcorp Genetics (formerly Invitae), Labcorp
Classification: Uncertain significance. Last evaluated: 2025-11-22. Review status: criteria provided, single submitter. Criteria: Invitae Variant Classification Sherloc (09022015). Collection method: clinical testing. Allele origin: germline.
Comment: This sequence change falls in intron 9 of the ACAN gene. It does not directly change the encoded amino acid sequence of the ACAN protein. It affects a nucleotide within the consensus splice site. This variant is present in population databases (no rsID available, gnomAD 0.003%). This variant has not been reported in the literature in individuals affected with ACAN-related conditions. Variants that disrupt the consensus splice site are a relatively common cause of aberrant splicing (PMID: 17576681, 9536098). Algorithms developed to predict the effect of sequence changes on RNA splicing suggest that this variant is not likely to affect RNA splicing. In summary, the available evidence is currently insufficient to determine the role of this variant in disease. Therefore, it has been classified as a Variant of Uncertain Significance.

Literature cited by the submitters: PubMed 17576681; PubMed 9536098.